The following is an entry in ClinVar:

NM_207421.4(PADI6):c.1626A>G (p.Glu542=)

Gene: PADI6 (peptidyl arginine deiminase 6; plus strand). Cytogenetic location: 1p36.13.
Variant type: single nucleotide variant.
Coding change: c.1626A>G on transcript NM_207421.4 (MANE Select); coding-DNA position 1626, A replaced by G.
Protein change: p.Glu542=; no amino-acid change (glutamic acid 542 retained).
Molecular consequence: synonymous variant.
Genome position (GRCh38, 1-based): chr1:17,397,078, A>G. VCF-style: chr1-17397078-A-G. GRCh37 (hg19) VCF-style: chr1-17723574-A-G.
Identifiers: ClinVar variation 3032520 (VCV003032520.2), dbSNP rs1211911062, ClinGen allele CA416406499.

ClinVar aggregate classification (germline): Likely benign (0 of 4 stars; one submission).

Conditions:
PADI6-related disorder. Also called: PADI6-related condition.

Allele frequency attached by ClinVar (database versions not stated): gnomAD exomes below 0.00001; gnomAD 0.00001.
gnomAD v4.1: 6 of 1,613,580 alleles (0.00037%); highest among the groups gnomAD compares: Middle Eastern, 0.016%; 1 homozygote.

Submission:

PreventionGenetics, part of Exact Sciences
Classification: Likely benign for PADI6-related condition. Last evaluated: 2020-09-25. Review status: no assertion criteria provided. Collection method: clinical testing. Allele origin: germline.
Comment: This variant is classified as likely benign based on ACMG/AMP sequence variant interpretation guidelines (Richards et al. 2015 PMID: 25741868, with internal and published modifications).